The following is an entry in ClinVar:

ClinVar aggregate classification (germline): Pathogenic (1 of 4 stars; one submission).

Submission:

Labcorp Genetics (formerly Invitae), Labcorp
Classification: Pathogenic. Last evaluated: 2023-07-18. Review status: criteria provided, single submitter. Criteria: Invitae Variant Classification Sherloc (09022015). Collection method: clinical testing. Allele origin: germline.
Comment: For these reasons, this variant has been classified as Pathogenic. This variant has not been reported in the literature in individuals affected with TK2-related conditions. This variant is not present in population databases (gnomAD no frequency). This sequence change creates a premature translational stop signal (p.Trp39Glyfs*14) in the TK2 gene. It is expected to result in an absent or disrupted protein product. Loss-of-function variants in TK2 are known to be pathogenic (PMID: 20421844).

Literature cited by the submitters: PubMed 20421844.

NM_004614.5(TK2):c.115del (p.Trp39fs)

Genes: TK2 (thymidine kinase 2; minus strand), LOC130059156 (ATAC-STARR-seq lymphoblastoid silent region 7560; plus strand). Cytogenetic location: 16q21.
Variant type: Deletion.
Coding change: c.115del on transcript NM_004614.5 (MANE Select); coding-DNA position 115, one base deleted (T; older notation c.115delT).
Protein change: p.Trp39fs; shifts the reading frame from tryptophan 39.
Molecular consequence: frameshift variant. On other transcripts: 5 prime UTR variant (2), non-coding transcript variant (1), intron variant (2).
Genome position (GRCh38, 1-based): chr16:66,549,947, A deleted on the plus strand (T on the coding strand, the reverse complement: TK2 is on the minus strand). VCF-style (leftmost placement, unchanged base first): chr16-66549946-CA-C. GRCh37 (hg19) VCF-style: chr16-66583849-CA-C.
Other names: c.115del, p.Trp39fs (NM_001172644.2, NM_001172645.2); c.-128del (NM_001271934.2); c.-538del (NM_001272050.2); c.31+306del (NM_001271935.1, NM_001172643.1); short protein forms W39fs.
Identifiers: ClinVar variation 2744856 (VCV002744856.3), dbSNP rs2507216097, ClinGen allele CA2697555917.